The following is an entry in ClinVar:

ClinVar aggregate classification (germline): Uncertain significance (1 of 4 stars; one submission).

Conditions:
Nephronophthisis 14 (NPHP14). Identifiers: Orphanet 2318, MedGen C3539071, MONDO:0013916, OMIM 614844.

gnomAD v4.1: 1 of 1,614,060 alleles (0.000062%); highest among the groups gnomAD compares: Non-Finnish European, 0.000085%; no homozygotes.

Submission:

Labcorp Genetics (formerly Invitae), Labcorp
Classification: Uncertain significance for Nephronophthisis 14. Last evaluated: 2022-08-22. Review status: criteria provided, single submitter. Criteria: Invitae Variant Classification Sherloc (09022015). Collection method: clinical testing. Allele origin: germline.
Comment: This variant has not been reported in the literature in individuals affected with ZNF423-related conditions. This sequence change replaces alanine, which is neutral and non-polar, with threonine, which is neutral and polar, at codon 1283 of the ZNF423 protein (p.Ala1283Thr). This variant is not present in population databases (gnomAD no frequency). Algorithms developed to predict the effect of missense changes on protein structure and function (SIFT, PolyPhen-2, Align-GVGD) all suggest that this variant is likely to be tolerated. In summary, the available evidence is currently insufficient to determine the role of this variant in disease. Therefore, it has been classified as a Variant of Uncertain Significance.

NM_001379286.1(ZNF423):c.3871G>A (p.Ala1291Thr)

Gene: ZNF423 (zinc finger protein 423; minus strand). Cytogenetic location: 16q12.1.
Variant type: single nucleotide variant.
Coding change: c.3871G>A on transcript NM_001379286.1 (MANE Select); coding-DNA position 3871, G replaced by A.
Protein change: p.Ala1291Thr; replaces alanine 1291 with threonine.
Molecular consequence: missense variant.
Genome position (GRCh38, 1-based): chr16:49,491,283, C>T on the plus strand (G>A on the coding strand, the complement: ZNF423 is on the minus strand). VCF-style: chr16-49491283-C-T. GRCh37 (hg19) VCF-style: chr16-49525194-C-T.
Other names: c.3667G>A, p.Ala1223Thr (NM_001271620.2); c.3496G>A, p.Ala1166Thr (NM_001330533.2); c.3847G>A, p.Ala1283Thr (NM_015069.5); short protein forms A1166T, A1223T, A1283T, A1291T.
Identifiers: ClinVar variation 1909498 (VCV001909498.5), dbSNP rs1444409073, ClinGen allele CA396110636.